The following is an entry in ClinVar:

ClinVar aggregate classification (germline): Uncertain significance (1 of 4 stars; one submission).

Conditions:
SCAPER-related disorder. Also called: SCAPER-related condition.

Submission:

PreventionGenetics, part of Exact Sciences
Classification: Uncertain significance for SCAPER-related condition. Last evaluated: 2025-02-07. Review status: criteria provided, single submitter. Criteria: ACMG Guidelines, 2015. Collection method: clinical testing. Allele origin: germline.
Comment: The SCAPER c.1936G>A variant is predicted to result in the amino acid substitution p.Asp646Asn. To our knowledge, this variant has not been reported in the literature or in a large population database (gnomAD), indicating this variant is rare. At this time, the clinical significance of this variant is uncertain due to the absence of conclusive functional and genetic evidence.

NM_020843.4(SCAPER):c.1918G>A (p.Asp640Asn)

Gene: SCAPER (S-phase cyclin A associated protein in the ER; minus strand). Cytogenetic location: 15q24.3.
Variant type: single nucleotide variant.
Coding change: c.1918G>A on transcript NM_020843.4 (MANE Select); coding-DNA position 1918, G replaced by A.
Protein change: p.Asp640Asn; replaces aspartic acid 640 with asparagine.
Molecular consequence: missense variant. On other transcripts: non-coding transcript variant (1).
Genome position (GRCh38, 1-based): chr15:76,733,333, C>T on the plus strand (G>A on the coding strand, the complement: SCAPER is on the minus strand). VCF-style: chr15-76733333-C-T. GRCh37 (hg19) VCF-style: chr15-77025674-C-T.
Other names: c.1180G>A, p.Asp394Asn (NM_001145923.2); c.1936G>A, p.Asp646Asn (NM_001353009.2); c.1516G>A, p.Asp506Asn (NM_001353010.2, NM_001353012.2); c.1534G>A, p.Asp512Asn (NM_001353011.2); short protein forms D640N, D394N, D506N, D512N, D646N.
Identifiers: ClinVar variation 4996914 (VCV004996914.1).